The following is an entry in ClinVar:

ClinVar aggregate classification (germline): Uncertain significance (1 of 4 stars; one submission).

Conditions:
FOXP4-related disorder. Also called: FOXP4-related condition.

Submission:

3billion
Classification: Uncertain significance for FOXP4-related disorder. Last evaluated: 2026-01-15. Review status: criteria provided, single submitter. Criteria: ACMG Guidelines, 2015. Collection method: clinical testing. Allele origin: germline. Affected: yes.
Comment: The variant is not observed in the gnomAD v4.1.0 dataset. Predicted Consequence/Location: Stop-gained (nonsense): predicted to result in a loss or disruption of normal protein function through protein truncation. The predicted truncated protein may be shortened by less than 10%. Therefore, this variant is classified as VUS according to the recommendation of ACMG/AMP guideline.

NM_001012426.2(FOXP4):c.2032G>T (p.Glu678Ter)

Gene: FOXP4 (forkhead box P4; plus strand). Cytogenetic location: 6p21.1.
Variant type: single nucleotide variant.
Coding change: c.2032G>T on transcript NM_001012426.2 (MANE Select); coding-DNA position 2032, G replaced by T.
Protein change: p.Glu678Ter; replaces glutamic acid 678 with a stop codon.
Molecular consequence: nonsense.
Genome position (GRCh38, 1-based): chr6:41,598,925, G>T. VCF-style: chr6-41598925-G-T. GRCh37 (hg19) VCF-style: chr6-41566663-G-T.
Other names: c.1996G>T, p.Glu666Ter (NM_001405824.1); c.1936G>T, p.Glu646Ter (NM_001405825.1); c.1900G>T, p.Glu634Ter (NM_001405826.1); c.1993G>T, p.Glu665Ter (NM_138457.3); c.2026G>T, p.Glu676Ter (NM_001012427.2); short protein forms E634*, E646*, E665*, E666*, E676*, E678*.
Identifiers: ClinVar variation 4854192 (VCV004854192.1).